The following is an entry in ClinVar:

ClinVar aggregate classification (germline): Uncertain significance. Review status: criteria provided, multiple submitters, no conflicts (2 of 4 stars). 4 submissions from 4 submitters: Uncertain significance (4). Last evaluated 2025-12-24.

Conditions:
Hereditary cancer-predisposing syndrome. Also called: Hereditary neoplastic syndrome; Hereditary Cancer Syndrome; Neoplastic Syndromes, Hereditary; Tumor predisposition. Identifiers: Orphanet 140162, MedGen C0027672, MeSH D009386, MONDO:0015356.
Familial cancer of breast. Also called: Hereditary breast cancer; BREAST CANCER, FAMILIAL; hereditary breast carcinoma. Identifiers: Orphanet 227535, MedGen C0346153, MONDO:0016419, OMIM 114480. Disease mechanism: loss of function.

Submissions (4):

Labcorp Genetics (formerly Invitae), Labcorp
Classification: Uncertain significance for Familial cancer of breast. Last evaluated: 2025-12-24. Review status: criteria provided, single submitter. Criteria: Invitae Variant Classification Sherloc (09022015). Collection method: clinical testing. Allele origin: germline.
Comment: This sequence change replaces arginine, which is basic and polar, with cysteine, which is neutral and slightly polar, at codon 21 of the BARD1 protein (p.Arg21Cys). This variant is not present in population databases (gnomAD no frequency). This variant has not been reported in the literature in individuals affected with BARD1-related conditions. ClinVar contains an entry for this variant (Variation ID: 230082). An algorithm developed to predict the effect of missense changes on protein structure and function outputs the following: PolyPhen-2: "Benign". The cysteine amino acid residue is found in multiple mammalian species, which suggests that this missense change does not adversely affect protein function. In summary, the available evidence is currently insufficient to determine the role of this variant in disease. Therefore, it has been classified as a Variant of Uncertain Significance.

Ambry Genetics
Classification: Uncertain significance for Hereditary cancer-predisposing syndrome. Last evaluated: 2025-02-06. Review status: criteria provided, single submitter. Criteria: Ambry Variant Classification Scheme 2023. Collection method: clinical testing. Allele origin: germline.
Comment: The p.R21C variant (also known as c.61C>T), located in coding exon 1 of the BARD1 gene, results from a C to T substitution at nucleotide position 61. The arginine at codon 21 is replaced by cysteine, an amino acid with highly dissimilar properties. This amino acid position is poorly conserved in available vertebrate species. In addition, this alteration is predicted to be tolerated by in silico analysis. Since supporting evidence is limited at this time, the clinical significance of this alteration remains unclear.

Color Diagnostics, LLC DBA Color Health
Classification: Uncertain significance for Hereditary cancer-predisposing syndrome. Last evaluated: 2019-03-25. Review status: criteria provided, single submitter. Criteria: ACMG Guidelines, 2015. Collection method: clinical testing. Allele origin: germline.

GeneDx
Classification: Uncertain significance. Last evaluated: 2017-09-04. Review status: criteria provided, single submitter. Criteria: GeneDx Variant Classification (06012015). Collection method: clinical testing. Allele origin: germline. Affected: yes.
Comment: This variant is denoted BARD1 c.61C>T at the cDNA level, p.Arg21Cys (R21C) at the protein level, and results in the change of an Arginine to a Cysteine (CGT>TGT). This variant has not, to our knowledge, been published in the literature as a germline variant; however, it has been reported in a lung tumor (Imielinski 2012). BARD1 Arg21Cys was not observed in large population cohorts (NHLBI Exome Sequencing Project, The 1000 Genomes Consortium 2015, Lek 2016). Since Arginine and Cysteine differ in polarity, charge, size or other properties, this is considered a non-conservative amino acid substitution. BARD1 Arg21Cys occurs at a position that is not conserved and is not located in a known functional domain. In silico analyses predict that this variant is unlikely to alter protein structure or function. Based on currently available evidence, it is unclear whether BARD1 Arg21Cys is a pathogenic or benign variant. We consider it to be a variant of uncertain significance.

Literature cited by the submitters: PubMed 26738429 (cited by Ambry Genetics); PubMed 29292755 (cited by Ambry Genetics).

NM_000465.4(BARD1):c.61C>T (p.Arg21Cys)

Gene: BARD1 (BRCA1 associated RING domain 1; minus strand). Cytogenetic location: 2q35.
Variant type: single nucleotide variant.
Coding change: c.61C>T on transcript NM_000465.4 (MANE Select); coding-DNA position 61, C replaced by T.
Protein change: p.Arg21Cys; replaces arginine 21 with cysteine.
Molecular consequence: missense variant. On other transcripts: non-coding transcript variant (3).
Genome position (GRCh38, 1-based): chr2:214,809,509, G>A on the plus strand (C>T on the coding strand, the complement: BARD1 is on the minus strand). VCF-style: chr2-214809509-G-A. GRCh37 (hg19) VCF-style: chr2-215674233-G-A.
Other names: c.61C>T, p.Arg21Cys (NM_001282543.2, NM_001282545.2, NM_001282548.2 and 1 more transcripts); short protein forms R21C.
Identifiers: ClinVar variation 230082 (VCV000230082.21), dbSNP rs864622206, ClinGen allele CA10577868.
Genomic context (GRCh38, chr2:214,809,509, plus strand): 5'-GCGCGGCGCGACTGTGGGCCCAGGCACCGCGACCATCCGGTTCCATGGCGGGCGCGGAAC[G>A]AGGCTCGTTCCCGGAGCGGATCCTCGGCTGCCGGTTCCTCGGCTGCCGATTATCCGGCAT-3'
Protein context (NP_000456.2, residues 11-31): QPRIRSGNEP[Arg21Cys]SAPAMEPDGR